The following is an entry in ClinVar:

ClinVar aggregate classification (germline): Benign (1 of 4 stars; one submission).

Allele frequency attached by ClinVar (database versions not stated): 1000 Genomes Project 30x 0.37711; 1000 Genomes Project 0.37959; TOPMed 0.41430; gnomAD 0.42135 and 0.42300.
gnomAD v4.1: 64,202 of 151,874 alleles (42%); highest among the groups gnomAD compares: Admixed American, 50%; 14,412 homozygotes.

Submission:

GeneDx
Classification: Benign. Last evaluated: 2018-06-14. Review status: criteria provided, single submitter. Criteria: GeneDx Variant Classification (06012015). Collection method: clinical testing. Allele origin: germline. Affected: yes.
Comment: This variant is considered likely benign or benign based on one or more of the following criteria: it is a conservative change, it occurs at a poorly conserved position in the protein, it is predicted to be benign by multiple in silico algorithms, and/or has population frequency not consistent with disease.

NM_002495.4(NDUFS4):c.425-226C>T

Gene: NDUFS4 (NADH:ubiquinone oxidoreductase subunit S4; plus strand). Cytogenetic location: 5q11.2.
Variant type: single nucleotide variant.
Coding change: c.425-226C>T on transcript NM_002495.4 (MANE Select); 226 bases into the intron before coding-DNA position 425, C replaced by T.
Molecular consequence: intron variant.
Genome position (GRCh38, 1-based): chr5:53,682,892, C>T. VCF-style: chr5-53682892-C-T. GRCh37 (hg19) VCF-style: chr5-52978722-C-T.
Other names: c.351-226C>T (NM_001318051.2).
Identifiers: ClinVar variation 683108 (VCV000683108.1), dbSNP rs2290697, ClinGen allele CA15390897.